The following is an entry in ClinVar:

NM_000038.6(APC):c.3975del (p.Val1326fs)

Gene: APC (APC regulator of Wnt signaling pathway; plus strand). Cytogenetic location: 5q22.2.
Variant type: Deletion.
Coding change: c.3975del on transcript NM_000038.6 (MANE Select); coding-DNA position 3975, one base deleted (A; older notation c.3975delA).
Protein change: p.Val1326fs; shifts the reading frame from valine 1326.
Molecular consequence: frameshift variant.
Genome position (GRCh38, 1-based): chr5:112,839,569, A deleted. VCF-style (leftmost placement, unchanged base first): chr5-112839568-CA-C. GRCh37 (hg19) VCF-style: chr5-112175265-CA-C.
Other names: c.3975del, p.Val1326fs (NM_001127510.3, NM_001354895.2); c.3921del, p.Val1308fs (NM_001127511.3); c.4029del, p.Val1344fs (NM_001354896.2); c.4005del, p.Val1336fs (NM_001354897.2); c.3900del, p.Val1301fs (NM_001354898.2); c.3891del, p.Val1298fs (NM_001354899.2); c.3852del, p.Val1285fs (NM_001354900.2); c.3798del, p.Val1267fs (NM_001354901.2); and 5 more; short protein forms V1267fs, V1285fs, V1298fs, V1301fs, V1344fs, V1043fs, V1166fs, V1200fs.
Identifiers: ClinVar variation 1454763 (VCV001454763.8), dbSNP rs2149903298, ClinGen allele CA2573138702.

ClinVar aggregate classification (germline): Pathogenic (1 of 4 stars; one submission).

Conditions:
Familial adenomatous polyposis 1 (FAP1). Also called: POLYPOSIS, ADENOMATOUS INTESTINAL; FAMILIAL ADENOMATOUS POLYPOSIS 1, ATTENUATED. Identifiers: MedGen C2713442, MONDO:0021056, OMIM 175100. Disease mechanism: loss of function.

Submission:

Labcorp Genetics (formerly Invitae), Labcorp
Classification: Pathogenic for Familial adenomatous polyposis 1. Last evaluated: 2021-06-02. Review status: criteria provided, single submitter. Criteria: Invitae Variant Classification Sherloc (09022015). Collection method: clinical testing. Allele origin: germline.
Comment: A different truncation (p.Tyr2645Lysfs*14) that lies downstream of this variant has been determined to be pathogenic (PMID: 9824584, 1316610, 27081525, 8381579, 22135120, Invitae). This suggests that deletion of this region of the APC protein is causative of disease. For these reasons, this variant has been classified as Pathogenic. This sequence change creates a premature translational stop signal (p.Val1326Cysfs*89) in the APC gene. While this is not anticipated to result in nonsense mediated decay, it is expected to disrupt the last 1518 amino acid(s) of the APC protein. This variant is not present in population databases (ExAC no frequency). This variant has not been reported in the literature in individuals with APC-related conditions. This variant is expected to disrupt the EB1 and HDLG binding sites, which mediate interactions with the cytoskeleton (PMID: 15311282, 17293347). While functional studies have not been performed to directly test the effect on APC protein function, this suggests that disruption of the C-terminal portion of the protein is functionally important.

Literature cited by the submitters: PubMed 9824584; PubMed 1316610; PubMed 27081525; PubMed 8381579; PubMed 22135120; PubMed 15311282; PubMed 17293347.